The following is an entry in ClinVar:

ClinVar aggregate classification (germline): Likely benign. Review status: criteria provided, single submitter (1 of 4 stars). 2 submissions from 2 submitters: Likely benign (1). 1 of the submissions does not count toward it. Last evaluated 2024-08-20.

Conditions:
CTU2-related disorder. Also called: CTU2-related condition.

Allele frequency attached by ClinVar (database versions not stated): TOPMed 0.00198; 1000 Genomes Project 0.00200; ESP Exome Variant Server 0.00223; 1000 Genomes Project 30x 0.00234.
gnomAD v4.1: 501 of 1,613,978 alleles (0.031%); highest among the groups gnomAD compares: African/African-American, 0.6%; 1 homozygote.

Submissions (2):

Blueprint Genetics
Classification: Likely benign. Last evaluated: 2024-08-20. Review status: criteria provided, single submitter. Criteria: ACMG Guidelines, 2015. Collection method: clinical testing. Allele origin: germline.

PreventionGenetics, part of Exact Sciences
Classification: Likely benign for CTU2-related condition. Last evaluated: 2019-10-16. Review status: no assertion criteria provided. Collection method: clinical testing. Allele origin: germline. Not counted in ClinVar's aggregate classification.
Comment: This variant is classified as likely benign based on ACMG/AMP sequence variant interpretation guidelines (Richards et al. 2015 PMID: 25741868, with internal and published modifications).

NM_001012759.3(CTU2):c.223-7C>T

Gene: CTU2 (cytosolic thiouridylase subunit 2; plus strand). Cytogenetic location: 16q24.3.
Variant type: single nucleotide variant.
Coding change: c.223-7C>T on transcript NM_001012759.3 (MANE Select); 7 bases into the intron before coding-DNA position 223, C replaced by T.
Molecular consequence: intron variant.
Genome position (GRCh38, 1-based): chr16:88,710,216, C>T. VCF-style: chr16-88710216-C-T. GRCh37 (hg19) VCF-style: chr16-88776624-C-T.
Other names: c.223-7C>T (NM_001318507.2, NM_001012762.3); c.-39-7C>T (NM_001318513.2).
Identifiers: ClinVar variation 3055992 (VCV003055992.3), dbSNP rs114994631, ClinGen allele CA8230122.